The following is an entry in ClinVar:

ClinVar aggregate classification (germline): Uncertain significance (1 of 4 stars; one submission).

Conditions:
Cohen syndrome (COH1). Also called: Cutis verticis gyrata, retinitis pigmentosa, and sensorineural deafness; PEPPER SYNDROME. Identifiers: Orphanet 193, MedGen C0265223, MONDO:0008999, OMIM 216550.

Allele frequency attached by ClinVar (database versions not stated): gnomAD 0.00001.
gnomAD v4.1: 1 of 1,614,022 alleles (0.000062%); highest among the groups gnomAD compares: Non-Finnish European, 0.000085%; no homozygotes.

Submission:

Labcorp Genetics (formerly Invitae), Labcorp
Classification: Uncertain significance for Cohen syndrome. Last evaluated: 2023-02-02. Review status: criteria provided, single submitter. Criteria: Invitae Variant Classification Sherloc (09022015). Collection method: clinical testing. Allele origin: germline.
Comment: In summary, the available evidence is currently insufficient to determine the role of this variant in disease. Therefore, it has been classified as a Variant of Uncertain Significance. Advanced modeling of protein sequence and biophysical properties (such as structural, functional, and spatial information, amino acid conservation, physicochemical variation, residue mobility, and thermodynamic stability) performed at Invitae indicates that this missense variant is expected to disrupt VPS13B protein function. This variant has not been reported in the literature in individuals affected with VPS13B-related conditions. This variant is not present in population databases (gnomAD no frequency). This sequence change replaces aspartic acid, which is acidic and polar, with valine, which is neutral and non-polar, at codon 2791 of the VPS13B protein (p.Asp2791Val).

NM_152564.5(VPS13B):c.8297A>T (p.Asp2766Val)

Gene: VPS13B (vacuolar protein sorting 13 homolog B; plus strand). Cytogenetic location: 8q22.2.
Variant type: single nucleotide variant.
Coding change: c.8297A>T on transcript NM_152564.5 (MANE Select); coding-DNA position 8297, A replaced by T.
Protein change: p.Asp2766Val; replaces aspartic acid 2766 with valine.
Molecular consequence: missense variant.
Genome position (GRCh38, 1-based): chr8:99,817,739, A>T. VCF-style: chr8-99817739-A-T. GRCh37 (hg19) VCF-style: chr8-100829967-A-T.
Other names: c.8372A>T, p.Asp2791Val (NM_017890.5); short protein forms D2791V, D2766V.
Identifiers: ClinVar variation 2725731 (VCV002725731.1), dbSNP rs1814129099, ClinGen allele CA371773236.